The following is an entry in ClinVar:

ClinVar aggregate classification (germline): Pathogenic (1 of 4 stars; one submission).

Submission:

GeneDx
Classification: Pathogenic. Last evaluated: 2017-10-04. Review status: criteria provided, single submitter. Criteria: GeneDx Variant Classification (06012015). Collection method: clinical testing. Allele origin: germline. Affected: yes.
Comment: The c.544-1G>T variant in the DDX3X gene has not been reported previously as a pathogenic variant nor as a benign variant, to our knowledge. This splice site variant destroys the canonical splice acceptor site in intron 6. It is predicted to cause abnormal gene splicing, either leading to an abnormal message that is subject to nonsense-mediated mRNA decay, or to an abnormal protein product if the message is used for protein translation. The c.544-1G>T variant is not observed in large population cohorts (Lek et al., 2016). We interpret c.544-1G>T as a pathogenic variant

NM_001356.5(DDX3X):c.544-1G>T

Gene: DDX3X (DEAD-box helicase 3 X-linked; plus strand). Cytogenetic location: Xp11.4.
Variant type: single nucleotide variant.
Coding change: c.544-1G>T on transcript NM_001356.5 (MANE Select); the canonical splice acceptor site of the intron before coding-DNA position 544, G replaced by T.
Molecular consequence: splice acceptor variant.
Genome position (GRCh38, 1-based): chrX:41,343,215, G>T. VCF-style: chrX-41343215-G-T. GRCh37 (hg19) VCF-style: chrX-41202468-G-T.
Other names: c.544-1G>T (NM_001193416.3); c.496-1G>T (NM_001193417.3); c.-15-1G>T (NM_001363819.1).
Identifiers: ClinVar variation 452512 (VCV000452512.2), dbSNP rs1555953149, ClinGen allele CA412767618.